The following is an entry in ClinVar:

ClinVar aggregate classification (germline): Conflicting classifications of pathogenicity. Review status: criteria provided, conflicting classifications (1 of 4 stars). 2 submissions from 2 submitters: Uncertain significance (1); Likely benign (1). Last evaluated 2025-11-17.

Conditions:
Early-infantile DEE. Also called: Ohtahara syndrome; Early infantile epileptic encephalopathy; Early infantile epileptic encephalopathy with suppression bursts. Identifiers: Orphanet 1934, MedGen C0393706, MONDO:0800491.

Allele frequency attached by ClinVar (database versions not stated): gnomAD exomes below 0.00001; TOPMed below 0.00001.
gnomAD v4.1: 3 of 1,614,134 alleles (0.00019%); highest among the groups gnomAD compares: Admixed American, 0.0033%; no homozygotes.

Submissions (2):

Labcorp Genetics (formerly Invitae), Labcorp
Classification: Uncertain significance for Early-infantile DEE. Last evaluated: 2025-11-17. Review status: criteria provided, single submitter. Criteria: Invitae Variant Classification Sherloc (09022015). Collection method: clinical testing. Allele origin: germline.
Comment: This sequence change affects codon 2320 of the SPTAN1 mRNA. It is a 'silent' change, meaning that it does not change the encoded amino acid sequence of the SPTAN1 protein. It affects a nucleotide within the consensus splice site. This variant is present in population databases (no rsID available, gnomAD 0.003%). This variant has not been reported in the literature in individuals affected with SPTAN1-related conditions. ClinVar contains an entry for this variant (Variation ID: 510678). Algorithms developed to predict the effect of sequence changes on RNA splicing suggest that this variant is not likely to affect RNA splicing. In summary, the available evidence is currently insufficient to determine the role of this variant in disease. Therefore, it has been classified as a Variant of Uncertain Significance.

GeneDx
Classification: Likely benign. Last evaluated: 2017-10-09. Review status: criteria provided, single submitter. Criteria: GeneDx Variant Classification (06012015). Collection method: clinical testing. Allele origin: germline. Affected: yes.
Comment: This variant is considered likely benign or benign based on one or more of the following criteria: it is a conservative change, it occurs at a poorly conserved position in the protein, it is predicted to be benign by multiple in silico algorithms, and/or has population frequency not consistent with disease.

NM_001130438.3(SPTAN1):c.6960G>A (p.Arg2320=)

Gene: SPTAN1 (spectrin alpha, non-erythrocytic 1; plus strand). Cytogenetic location: 9q34.11.
Variant type: single nucleotide variant.
Coding change: c.6960G>A on transcript NM_001130438.3 (MANE Select); coding-DNA position 6960, G replaced by A.
Protein change: p.Arg2320=; no amino-acid change (arginine 2320 retained).
Molecular consequence: synonymous variant.
Genome position (GRCh38, 1-based): chr9:128,632,431, G>A. VCF-style: chr9-128632431-G-A. GRCh37 (hg19) VCF-style: chr9-131394710-G-A.
Other names: c.6885G>A, p.Arg2295= (NM_001195532.2); c.7023G>A, p.Arg2341= (NM_001363759.2); c.6900G>A, p.Arg2300= (NM_001363765.2); c.6945G>A, p.Arg2315= (NM_003127.4).
Identifiers: ClinVar variation 510678 (VCV000510678.5), dbSNP rs1276832919, ClinGen allele CA467485018.